The following is an entry in ClinVar:

ClinVar aggregate classification (germline): Likely benign. Review status: reviewed by expert panel (3 of 4 stars). 8 submissions from 8 submitters: Likely benign (1). 7 of the submissions do not count toward it. Last evaluated 2024-03-15.

Conditions:
Cardiovascular phenotype. Identifiers: MedGen CN230736.
Haemorrhagic telangiectasia 2.
Telangiectasia, hereditary hemorrhagic, type 2 (HHT2). Also called: ACVRL1-Related Hereditary Hemorrhagic Telangiectasia; Telangiectasia, hereditary hemorrhagic, type II. Identifiers: Orphanet 774, MedGen C1838163, MONDO:0010880, OMIM 600376. Disease mechanism: loss of function.

Allele frequency attached by ClinVar (database versions not stated): ESP Exome Variant Server 0.00015; gnomAD exomes 0.00016 and 0.00025; TOPMed 0.00025; 1000 Genomes Project 30x 0.00031; gnomAD 0.00031; ExAC 0.00037; 1000 Genomes Project 0.00040.
gnomAD v4.1: 287 of 1,606,178 alleles (0.018%); highest among the groups gnomAD compares: Middle Eastern, 0.09%; no homozygotes.

Submissions (8):

ClinGen Hereditary Hemorrhagic Telangiectasia Variant Curation Expert Panel, ClinGen
Classification: Likely benign for Telangiectasia, hereditary hemorrhagic, type 2. Last evaluated: 2024-03-15. Review status: reviewed by expert panel. Criteria: ClinGen HHT ACMG Specifications ACVRL1 V1.1.0. Collection method: curation. Allele origin: germline. Inheritance: Autosomal dominant inheritance.
Comment: The NM_000020.3: c.88C>T variant in ACVRL1 is a missense variant predicted to cause substitution of proline by serine at amino acid 30 (p.Pro30Ser). The highest population minor allele frequency in gnomAD v2.1.1 is 0.0004916 (17/34584 alleles) in the Admixed American population. This variant has been observed in 1 patient with an alternate molecular basis for disease (patient also carries a likely pathogenic/pathogenic ENG variant) (BP5; PMID: 32573726). This variant has been observed in trans with the variant c.191delA, p.Gln64Argfs*58 (PMID: 16752392), which is classified as pathogenic by the ClinGen Hereditary Hemorrhagic Telangiectasia Variant Curation Expert Panel, in an individual with Hereditary Hemorrhagic Telangiectasia. The phase of the variants was confirmed by family testing (BP2). The computational predictor REVEL gives a score of 0.499, which is neither above nor below the thresholds predicting a damaging or benign impact on ACVRL1 function. In summary, this variant meets the criteria to be classified as likely benign for autosomal dominant hereditary hemorrhagic telangiectasia based on the ACMG/AMP criteria applied, as specified by the ClinGen Hereditary Hemorrhagic Telangiectasia Variant Curation Expert Panel: BP2, BP5 (specification version 1.0.0; 1/4/2024).

CeGaT Center for Human Genetics Tuebingen
Classification: Likely benign. Last evaluated: 2026-06-01. Review status: criteria provided, single submitter. Criteria: CeGaT Center For Human Genetics Tuebingen Variant Classification Criteria Version 2. Collection method: clinical testing. Allele origin: germline. Affected: yes. Observed: 1 variant allele. Not counted in ClinVar's aggregate classification.
Comment: ACVRL1: BP4, BS2

Labcorp Genetics (formerly Invitae), Labcorp
Classification: Likely benign for Telangiectasia, hereditary hemorrhagic, type 2. Last evaluated: 2025-12-29. Review status: criteria provided, single submitter. Criteria: Invitae Variant Classification Sherloc (09022015). Collection method: clinical testing. Allele origin: germline. Not counted in ClinVar's aggregate classification.

Blueprint Genetics
Classification: Likely benign. Last evaluated: 2024-10-28. Review status: criteria provided, single submitter. Criteria: ACMG Guidelines, 2015. Collection method: clinical testing. Allele origin: germline. Not counted in ClinVar's aggregate classification.

Ambry Genetics
Classification: Likely benign for Cardiovascular phenotype. Last evaluated: 2022-01-12. Review status: criteria provided, single submitter. Criteria: Ambry Variant Classification Scheme 2023. Collection method: clinical testing. Allele origin: germline. Not counted in ClinVar's aggregate classification.

Mendelics
Classification: Benign for Telangiectasia, hereditary hemorrhagic, type 2. Last evaluated: 2019-05-28. Review status: criteria provided, single submitter. Criteria: Mendelics Assertion Criteria 2017. Collection method: clinical testing. Allele origin: unknown. Not counted in ClinVar's aggregate classification.

NIHR Bioresource Rare Diseases, University of Cambridge
Classification: Likely benign for Telangiectasia, hereditary hemorrhagic, type 2. Last evaluated: 2018-01-01. Review status: criteria provided, single submitter. Criteria: ACMG Guidelines, 2015. Collection method: research. Allele origin: unknown. Affected: yes. Observed: 1 variant allele. Not counted in ClinVar's aggregate classification.
Comment: BS1 +BP2

CSER _CC_NCGL, University of Washington
Classification: Likely benign for Haemorrhagic telangiectasia 2. Last evaluated: 2014-06-01. Review status: no assertion criteria provided. Collection method: research. Allele origin: germline. Inheritance: Autosomal dominant inheritance. Study: ESP 6500 variant annotation. Not counted in ClinVar's aggregate classification.
Comment: Variants classified for the Actionable exomic incidental findings in 6503 participants: challenges of variant classification manuscript

Literature cited by the submitters: PubMed 32573726 (cited by NIHR Bioresource Rare Diseases, University of Cambridge).

NM_000020.3(ACVRL1):c.88C>T (p.Pro30Ser)

Gene: ACVRL1 (activin A receptor like type 1; plus strand). Cytogenetic location: 12q13.13.
Variant type: single nucleotide variant.
Coding change: c.88C>T on transcript NM_000020.3 (MANE Select); coding-DNA position 88, C replaced by T.
Protein change: p.Pro30Ser; replaces proline 30 with serine.
Molecular consequence: missense variant.
Genome position (GRCh38, 1-based): chr12:51,913,125, C>T. VCF-style: chr12-51913125-C-T. GRCh37 (hg19) VCF-style: chr12-52306909-C-T.
Other names: NM_000020.3(ACVRL1):c.88C>T; c.88C>T, p.Pro30Ser (NM_001077401.2); short protein forms P30S.
Identifiers: ClinVar variation 161202 (VCV000161202.31), dbSNP rs149664056, ClinGen allele CA211326.